The following is an entry in ClinVar:

ClinVar aggregate classification (germline): Uncertain significance (1 of 4 stars; one submission).

gnomAD v4.1: 2 of 1,612,720 alleles (0.00012%); highest among the groups gnomAD compares: East Asian, 0.0022%; no homozygotes.

Submission:

Labcorp Genetics (formerly Invitae), Labcorp
Classification: Uncertain significance. Last evaluated: 2025-06-10. Review status: criteria provided, single submitter. Criteria: Invitae Variant Classification Sherloc (09022015). Collection method: clinical testing. Allele origin: germline.
Comment: This sequence change replaces asparagine, which is neutral and polar, with lysine, which is basic and polar, at codon 849 of the WFS1 protein (p.Asn849Lys). This variant is present in population databases (no rsID available, gnomAD 0.006%). This variant has not been reported in the literature in individuals affected with WFS1-related conditions. Invitae Evidence Modeling of protein sequence and biophysical properties (such as structural, functional, and spatial information, amino acid conservation, physicochemical variation, residue mobility, and thermodynamic stability) indicates that this missense variant is not expected to disrupt WFS1 protein function with a negative predictive value of 95%. In summary, the available evidence is currently insufficient to determine the role of this variant in disease. Therefore, it has been classified as a Variant of Uncertain Significance.

NM_006005.3(WFS1):c.2547C>G (p.Asn849Lys)

Gene: WFS1 (wolframin ER transmembrane glycoprotein; plus strand). Cytogenetic location: 4p16.1.
Variant type: single nucleotide variant.
Coding change: c.2547C>G on transcript NM_006005.3 (MANE Select); coding-DNA position 2547, C replaced by G.
Protein change: p.Asn849Lys; replaces asparagine 849 with lysine.
Molecular consequence: missense variant.
Genome position (GRCh38, 1-based): chr4:6,302,342, C>G. VCF-style: chr4-6302342-C-G. GRCh37 (hg19) VCF-style: chr4-6304069-C-G.
Other names: c.2547C>G, p.Asn849Lys (NM_001145853.1); short protein forms N849K.
Identifiers: ClinVar variation 4706420 (VCV004706420.1).